The following is an entry in ClinVar:

ClinVar aggregate classification (germline): Uncertain significance. Review status: criteria provided, multiple submitters, no conflicts (2 of 4 stars). 6 submissions from 6 submitters: Uncertain significance (4). 2 of the submissions do not count toward it. Last evaluated 2025-10-27.

Conditions:
Long QT syndrome (LQTS). Identifiers: MedGen C0023976, MeSH D008133, MONDO:0002442. Disease mechanism: loss of function. Inheritance: Various modes of inheritance.

Allele frequency attached by ClinVar (database versions not stated): ExAC below 0.00001; TOPMed below 0.00001; gnomAD 0.00001; gnomAD exomes 0.00002 and 0.00004.
gnomAD v4.1: 62 of 1,597,324 alleles (0.0039%); highest among the groups gnomAD compares: Non-Finnish European, 0.005%; no homozygotes.

Submissions (6):

Labcorp Genetics (formerly Invitae), Labcorp
Classification: Uncertain significance for Long QT syndrome. Last evaluated: 2025-10-27. Review status: criteria provided, single submitter. Criteria: Invitae Variant Classification Sherloc (09022015). Collection method: clinical testing. Allele origin: germline.
Comment: This sequence change replaces alanine, which is neutral and non-polar, with valine, which is neutral and non-polar, at codon 494 of the CACNA1C protein (p.Ala494Val). The frequency data for this variant in the population databases is considered unreliable, as metrics indicate poor data quality at this position in the gnomAD database. This variant has not been reported in the literature in individuals affected with CACNA1C-related conditions. ClinVar contains an entry for this variant (Variation ID: 190638). An algorithm developed to predict the effect of missense changes on protein structure and function (PolyPhen-2) suggests that this variant is likely to be tolerated. In summary, the available evidence is currently insufficient to determine the role of this variant in disease. Therefore, it has been classified as a Variant of Uncertain Significance.

Mayo Clinic Laboratories, Mayo Clinic
Classification: Uncertain significance. Last evaluated: 2025-10-24. Review status: criteria provided, single submitter. Criteria: ACMG Guidelines, 2015. Collection method: clinical testing. Allele origin: germline. Observed: 1 variant allele.

Blueprint Genetics
Classification: Uncertain significance. Last evaluated: 2023-12-13. Review status: criteria provided, single submitter. Criteria: ACMG Guidelines, 2015. Collection method: clinical testing. Allele origin: germline.

GeneDx
Classification: Uncertain significance. Last evaluated: 2021-04-26. Review status: criteria provided, single submitter. Criteria: GeneDx Variant Classification Process June 2021. Collection method: clinical testing. Allele origin: germline. Affected: yes.
Comment: Has not been previously published as pathogenic or benign to our knowledge; Not observed at a significant frequency in large population cohorts (Lek et al., 2016); In silico analysis supports that this missense variant does not alter protein structure/function

Clinical Genetics, Academic Medical Center
Classification: Uncertain significance. Review status: no assertion criteria provided. Collection method: clinical testing. Allele origin: germline. Affected: yes. Study: VKGL Data-share Consensus. Not counted in ClinVar's aggregate classification.

Diagnostic Laboratory, Department of Genetics, University Medical Center Groningen
Classification: Uncertain significance. Review status: no assertion criteria provided. Collection method: clinical testing. Allele origin: germline. Affected: yes. Study: VKGL Data-share Consensus. Not counted in ClinVar's aggregate classification.

NM_000719.7(CACNA1C):c.1481C>T (p.Ala494Val)

Gene: CACNA1C (calcium voltage-gated channel subunit alpha1 C; plus strand). Cytogenetic location: 12p13.33.
Variant type: single nucleotide variant.
Coding change: c.1481C>T on transcript NM_000719.7 (MANE Select); coding-DNA position 1481, C replaced by T.
Protein change: p.Ala494Val; replaces alanine 494 with valine.
Molecular consequence: missense variant.
Genome position (GRCh38, 1-based): chr12:2,550,033, C>T. VCF-style: chr12-2550033-C-T. GRCh37 (hg19) VCF-style: chr12-2659199-C-T.
Other names: p.A494V:GCG>GTG; p.Ala494Val; c.1481C>T, p.Ala494Val (NM_001129827.2, NM_001129829.2, NM_001129830.3 and 18 more transcripts); c.1472C>T, p.Ala491Val (NM_001129844.2); short protein forms A494V, A491V.
Identifiers: ClinVar variation 190638 (VCV000190638.15), dbSNP rs762879256, ClinGen allele CA301276.